The following is an entry in ClinVar:

ClinVar aggregate classification (germline): Benign. Review status: criteria provided, multiple submitters, no conflicts (2 of 4 stars). 3 submissions from 3 submitters: Benign (3). Last evaluated 2024-07-15.

Allele frequency attached by ClinVar (database versions not stated): gnomAD 0.98436 and 0.98313; gnomAD exomes 0.99852; 1000 Genomes Project 30x 0.98157; TOPMed 0.98204; 1000 Genomes Project 0.98283.
gnomAD v4.1: 1,269,620 of 1,273,734 alleles (100%); highest among the groups gnomAD compares: East Asian, 100%; 632,845 homozygotes.

Submissions (4):

Unidad de Genómica Garrahan, Hospital de Pediatría Garrahan
Classification: Benign. Last evaluated: 2024-07-15. Review status: criteria provided, single submitter. Criteria: ACMG Guidelines, 2015. Collection method: clinical testing. Allele origin: germline. Affected: no. Observed: 80 variant alleles.
Comment: This variant is classified as Benign based on local population frequency. This variant was detected in 86% of patients studied in a panel designed for Epileptic and Developmental Encephalopathy and Progressive Myoclonus Epilepsy. Number of patients: 80. Only high quality variants are reported.

GeneDx
Classification: Benign. Last evaluated: 2021-03-08. Review status: criteria provided, single submitter. Criteria: GeneDx Variant Classification Process June 2021. Collection method: clinical testing. Allele origin: germline. Affected: yes.

Breakthrough Genomics
Classification: Benign. Review status: criteria provided, single submitter. Criteria: ACMG Guidelines, 2015. Collection method: not provided. Allele origin: germline. Inheritance: Autosomal recessive inheritance. Affected: yes.

Dr. Peter K. Rogan Lab, Western University
No classification provided (evidence only). Condition: Hepatocellular carcinoma. Review status: no classification provided. Collection method: in vitro. Allele origin: not applicable. Functional consequence: retained intron. Not counted in ClinVar's aggregate classification.

NM_001367561.1(DOCK7):c.732+88A>G

Gene: DOCK7 (dedicator of cytokinesis 7; minus strand). Cytogenetic location: 1p31.3.
Variant type: single nucleotide variant.
Coding change: c.732+88A>G on transcript NM_001367561.1 (MANE Select); 88 bases into the intron after coding-DNA position 732, A replaced by G.
Molecular consequence: intron variant.
Genome position (GRCh38, 1-based): chr1:62,648,018, T>C on the plus strand (A>G on the coding strand, the complement: DOCK7 is on the minus strand). VCF-style: chr1-62648018-T-C. GRCh37 (hg19) VCF-style: chr1-63113689-T-C.
Other names: NC_000001.10:g.63113689T>C; c.732+88A>G (NM_001272001.2, NM_001272000.2, NM_033407.4 and 3 more transcripts).
Identifiers: ClinVar variation 1235541 (VCV001235541.7), dbSNP rs1168088, ClinGen allele CA23789953.
Genomic context (GRCh38, chr1:62,648,018, plus strand): 5'-ATTCACTAGTATAAAATGTATTCATTTATAAAAATTACAGCTGTTTCAGTTGCTTTATCC[T>C]CTACATTTTGTAATACTATATATCAATCATAATCCCAAAAGATCAATTTTAATAATCATT-3'